The following is an entry in ClinVar:

NM_019594.4(LRRC8A):c.856G>C (p.Val286Leu)

Gene: LRRC8A (leucine rich repeat containing 8 VRAC subunit A; plus strand). Cytogenetic location: 9q34.11.
Variant type: single nucleotide variant.
Coding change: c.856G>C on transcript NM_019594.4 (MANE Select); coding-DNA position 856, G replaced by C.
Protein change: p.Val286Leu; replaces valine 286 with leucine.
Molecular consequence: missense variant.
Genome position (GRCh38, 1-based): chr9:128,908,020, G>C. VCF-style: chr9-128908020-G-C. GRCh37 (hg19) VCF-style: chr9-131670299-G-C.
Other names: c.856G>C, p.Val286Leu (NM_001127244.2, NM_001127245.2); short protein forms V286L.
Identifiers: ClinVar variation 4716375 (VCV004716375.1).

ClinVar aggregate classification (germline): Uncertain significance (1 of 4 stars; one submission).

Submission:

Labcorp Genetics (formerly Invitae), Labcorp
Classification: Uncertain significance. Last evaluated: 2025-03-31. Review status: criteria provided, single submitter. Criteria: Invitae Variant Classification Sherloc (09022015). Collection method: clinical testing. Allele origin: germline.
Comment: This sequence change replaces valine, which is neutral and non-polar, with leucine, which is neutral and non-polar, at codon 286 of the LRRC8A protein (p.Val286Leu). This variant is not present in population databases (gnomAD no frequency). This variant has not been reported in the literature in individuals affected with LRRC8A-related conditions. An algorithm developed to predict the effect of missense changes on protein structure and function (PolyPhen-2) suggests that this variant is likely to be disruptive. In summary, the available evidence is currently insufficient to determine the role of this variant in disease. Therefore, it has been classified as a Variant of Uncertain Significance.